The following is an entry in ClinVar:

NM_003803.4(MYOM1):c.3061G>A (p.Ala1021Thr)

Gene: MYOM1 (myomesin 1; minus strand). Cytogenetic location: 18p11.31.
Variant type: single nucleotide variant.
Coding change: c.3061G>A on transcript NM_003803.4 (MANE Select); coding-DNA position 3061, G replaced by A.
Protein change: p.Ala1021Thr; replaces alanine 1021 with threonine.
Molecular consequence: missense variant.
Genome position (GRCh38, 1-based): chr18:3,119,926, C>T on the plus strand (G>A on the coding strand, the complement: MYOM1 is on the minus strand). VCF-style: chr18-3119926-C-T. GRCh37 (hg19) VCF-style: chr18-3119924-C-T.
Other names: c.2773G>A, p.Ala925Thr (NM_019856.2); short protein forms A1021T, A925T.
Identifiers: ClinVar variation 4752731 (VCV004752731.1).

ClinVar aggregate classification (germline): Uncertain significance (1 of 4 stars; one submission).

Conditions:
Hypertrophic cardiomyopathy. Also called: HYPERTROPHIC MYOCARDIOPATHY. Identifiers: Orphanet 217569, MedGen C0007194, MeSH D002312, MONDO:0005045, HP:0001639.

gnomAD v4.1: 13 of 1,612,106 alleles (0.00081%); highest among the groups gnomAD compares: Admixed American, 0.005%; no homozygotes.

Submission:

Labcorp Genetics (formerly Invitae), Labcorp
Classification: Uncertain significance for Hypertrophic cardiomyopathy. Last evaluated: 2025-03-26. Review status: criteria provided, single submitter. Criteria: Invitae Variant Classification Sherloc (09022015). Collection method: clinical testing. Allele origin: germline.
Comment: This sequence change replaces alanine, which is neutral and non-polar, with threonine, which is neutral and polar, at codon 1021 of the MYOM1 protein (p.Ala1021Thr). This variant is present in population databases (rs747299361, gnomAD 0.009%). This variant has not been reported in the literature in individuals affected with MYOM1-related conditions. Invitae Evidence Modeling of protein sequence and biophysical properties (such as structural, functional, and spatial information, amino acid conservation, physicochemical variation, residue mobility, and thermodynamic stability) indicates that this missense variant is not expected to disrupt MYOM1 protein function with a negative predictive value of 80%. In summary, the available evidence is currently insufficient to determine the role of this variant in disease. Therefore, it has been classified as a Variant of Uncertain Significance.